The following is an entry in ClinVar:

ClinVar aggregate classification (germline): Likely benign. Review status: criteria provided, single submitter (1 of 4 stars). 2 submissions from 2 submitters: Likely benign (1). 1 of the submissions does not count toward it. Last evaluated 2023-10-13.

Conditions:
MCPH1-related disorder. Also called: MCPH1-related condition.

gnomAD v4.1: 45 of 1,613,998 alleles (0.0028%); highest among the groups gnomAD compares: East Asian, 0.0089%; no homozygotes.

Submissions (2):

Labcorp Genetics (formerly Invitae), Labcorp
Classification: Likely benign. Last evaluated: 2023-10-13. Review status: criteria provided, single submitter. Criteria: Invitae Variant Classification Sherloc (09022015). Collection method: clinical testing. Allele origin: germline.

PreventionGenetics, part of Exact Sciences
Classification: Likely benign for MCPH1-related condition. Last evaluated: 2020-01-17. Review status: no assertion criteria provided. Collection method: clinical testing. Allele origin: germline. Not counted in ClinVar's aggregate classification.
Comment: This variant is classified as likely benign based on ACMG/AMP sequence variant interpretation guidelines (Richards et al. 2015 PMID: 25741868, with internal and published modifications).

NM_024596.5(MCPH1):c.1986C>T (p.Val662=)

Gene: MCPH1 (microcephalin 1; plus strand). Cytogenetic location: 8p23.1.
Variant type: single nucleotide variant.
Coding change: c.1986C>T on transcript NM_024596.5 (MANE Select); coding-DNA position 1986, C replaced by T.
Protein change: p.Val662=; no amino-acid change (valine 662 retained).
Molecular consequence: synonymous variant. On other transcripts: genic downstream transcript variant (1).
Genome position (GRCh38, 1-based): chr8:6,480,726, C>T. VCF-style: chr8-6480726-C-T. GRCh37 (hg19) VCF-style: chr8-6338247-C-T.
Other names: c.1986C>T, p.Val662= (NM_001322042.2, NM_001363979.1, NM_001410916.1 and 1 more transcripts); c.1935+25474C>T (NM_001363980.2); c.1986C>T (NM_001322042.1).
Identifiers: ClinVar variation 2982625 (VCV002982625.4), dbSNP rs754730567, ClinGen allele CA4610775.